The following is an entry in ClinVar:

ClinVar aggregate classification (germline): Benign (0 of 4 stars; one submission).

Conditions:
MARCHF10-related disorder. Also called: MARCHF10-related condition.

Allele frequency attached by ClinVar (database versions not stated): ExAC 0.00110; 1000 Genomes Project 0.00300; ESP Exome Variant Server 0.00323; 1000 Genomes Project 30x 0.00328; gnomAD 0.00337; TOPMed 0.00375.
gnomAD v4.1: 1,009 of 1,614,156 alleles (0.063%); highest among the groups gnomAD compares: African/African-American, 1.2%; 10 homozygotes.

Submission:

PreventionGenetics, part of Exact Sciences
Classification: Benign for MARCHF10-related condition. Last evaluated: 2019-11-12. Review status: no assertion criteria provided. Collection method: clinical testing. Allele origin: germline.
Comment: This variant is classified as benign based on ACMG/AMP sequence variant interpretation guidelines (Richards et al. 2015 PMID: 25741868, with internal and published modifications).

NM_152598.4(MARCHF10):c.309A>G (p.Ser103=)

Gene: MARCHF10 (membrane associated ring-CH-type finger 10; minus strand). Cytogenetic location: 17q23.2.
Variant type: single nucleotide variant.
Coding change: c.309A>G on transcript NM_152598.4 (MANE Select); coding-DNA position 309, A replaced by G.
Protein change: p.Ser103=; no amino-acid change (serine 103 retained).
Molecular consequence: synonymous variant.
Genome position (GRCh38, 1-based): chr17:62,759,908, T>C on the plus strand (A>G on the coding strand, the complement: MARCHF10 is on the minus strand). VCF-style: chr17-62759908-T-C. GRCh37 (hg19) VCF-style: chr17-60837269-T-C.
Other names: c.309A>G, p.Ser103= (NM_001100875.3, NM_001288779.2, NM_001288780.2).
Identifiers: ClinVar variation 3034203 (VCV003034203.2), dbSNP rs146472679, ClinGen allele CA8697089.